The following is an entry in ClinVar:

NM_000228.3(LAMB3):c.30C>T (p.Ala10=)

Gene: LAMB3 (laminin subunit beta 3; minus strand). Cytogenetic location: 1q32.2.
Variant type: single nucleotide variant.
Coding change: c.30C>T on transcript NM_000228.3 (MANE Select); coding-DNA position 30, C replaced by T.
Protein change: p.Ala10=; no amino-acid change (alanine 10 retained).
Molecular consequence: synonymous variant.
Genome position (GRCh38, 1-based): chr1:209,650,117, G>A on the plus strand (C>T on the coding strand, the complement: LAMB3 is on the minus strand). VCF-style: chr1-209650117-G-A. GRCh37 (hg19) VCF-style: chr1-209823462-G-A.
Other names: c.30C>T, p.Ala10= (NM_001017402.2, NM_001127641.1).
Identifiers: ClinVar variation 1143336 (VCV001143336.19), dbSNP rs114304155, ClinGen allele CA1376118.

ClinVar aggregate classification (germline): Likely benign. Review status: criteria provided, multiple submitters, no conflicts (2 of 4 stars). 2 submissions from 2 submitters: Likely benign (2). Last evaluated 2025-05-01.

Allele frequency attached by ClinVar (database versions not stated): TOPMed below 0.00001; gnomAD 0.00001; gnomAD exomes 0.00001 and 0.00002; ExAC 0.00005; 1000 Genomes Project 30x 0.00031; 1000 Genomes Project 0.00040.
gnomAD v4.1: 12 of 1,612,684 alleles (0.00074%); highest among the groups gnomAD compares: African/African-American, 0.008%; no homozygotes.

Submissions (2):

CeGaT Center for Human Genetics Tuebingen
Classification: Likely benign. Last evaluated: 2025-05-01. Review status: criteria provided, single submitter. Criteria: CeGaT Center For Human Genetics Tuebingen Variant Classification Criteria Version 2. Collection method: clinical testing. Allele origin: germline. Affected: yes. Observed: 1 variant allele.
Comment: LAMB3: BP4, BP7

Labcorp Genetics (formerly Invitae), Labcorp
Classification: Likely benign. Last evaluated: 2024-01-25. Review status: criteria provided, single submitter. Criteria: Invitae Variant Classification Sherloc (09022015). Collection method: clinical testing. Allele origin: germline.